The following is an entry in ClinVar:

NM_000059.4(BRCA2):c.3764T>C (p.Val1255Ala)

Gene: BRCA2 (BRCA2 DNA repair associated; plus strand). Cytogenetic location: 13q13.1.
Variant type: single nucleotide variant.
Coding change: c.3764T>C on transcript NM_000059.4 (MANE Select); coding-DNA position 3764, T replaced by C.
Protein change: p.Val1255Ala; replaces valine 1255 with alanine.
Molecular consequence: missense variant.
Genome position (GRCh38, 1-based): chr13:32,338,119, T>C. VCF-style: chr13-32338119-T-C. GRCh37 (hg19) VCF-style: chr13-32912256-T-C.
Other names: short protein forms V1255A.
Identifiers: ClinVar variation 1496807 (VCV001496807.5), dbSNP rs1593900450, ClinGen allele CA387778230.
Genomic context (GRCh38, chr13:32,338,119, plus strand): 5'-AAAAAGCTGTGAAACTGTTTAGTGATATTGAGAATATTAGTGAGGAAACTTCTGCAGAGG[T>C]ACATCCAATAAGTTTATCTTCAAGTAAATGTCATGATTCTGTTGTTTCAATGTTTAAGAT-3'
Protein context (NP_000050.3, residues 1245-1265): ENISEETSAE[Val1255Ala]HPISLSSSKC

ClinVar aggregate classification (germline): Conflicting classifications of pathogenicity. Review status: criteria provided, conflicting classifications (1 of 4 stars). 2 submissions from 2 submitters: Uncertain significance (1); Likely benign (1). Last evaluated 2023-03-27.

Conditions:
Hereditary cancer-predisposing syndrome. Also called: Tumor predisposition; Hereditary neoplastic syndrome; Neoplastic Syndromes, Hereditary; Hereditary Cancer Syndrome. Identifiers: Orphanet 140162, MedGen C0027672, MeSH D009386, MONDO:0015356.
Hereditary breast ovarian cancer syndrome. Also called: BRCA1- and BRCA2-Associated Hereditary Breast and Ovarian Cancer; Hereditary breast and ovarian cancer; Hereditary breast and/or ovarian cancer syndrome; Hereditary breast and ovarian cancer syndrome; Hereditary breast and ovarian cancer syndrome (HBOC); Breast and ovarian cancer. Identifiers: Orphanet 145, MedGen C0677776, MeSH D061325, MONDO:0003582. Disease mechanism: loss of function.

Allele frequency attached by ClinVar (database versions not stated): gnomAD exomes below 0.00001.

Submissions (2):

Labcorp Genetics (formerly Invitae), Labcorp
Classification: Uncertain significance for Hereditary breast ovarian cancer syndrome. Last evaluated: 2023-03-27. Review status: criteria provided, single submitter. Criteria: Invitae Variant Classification Sherloc (09022015). Collection method: clinical testing. Allele origin: germline.
Comment: In summary, the available evidence is currently insufficient to determine the role of this variant in disease. Therefore, it has been classified as a Variant of Uncertain Significance. Advanced modeling of protein sequence and biophysical properties (such as structural, functional, and spatial information, amino acid conservation, physicochemical variation, residue mobility, and thermodynamic stability) performed at Invitae indicates that this missense variant is not expected to disrupt BRCA2 protein function. ClinVar contains an entry for this variant (Variation ID: 1496807). This variant has not been reported in the literature in individuals affected with BRCA2-related conditions. This variant is not present in population databases (gnomAD no frequency). This sequence change replaces valine, which is neutral and non-polar, with alanine, which is neutral and non-polar, at codon 1255 of the BRCA2 protein (p.Val1255Ala).

University of Washington Department of Laboratory Medicine, University of Washington
Classification: Likely benign for Hereditary cancer-predisposing syndrome. Last evaluated: 2023-03-23. Review status: criteria provided, single submitter. Criteria: Dines et al. (Genet Med. 2020). Collection method: curation. Allele origin: germline.
Comment: Missense variant in a coldspot region where missense variants are very unlikely to be pathogenic (PMID:31911673).

BRCA2 exon 11 coldspot. Reclassification based on statistical prior probability.